The following is an entry in ClinVar:

NM_001110556.2(FLNA):c.968C>T (p.Pro323Leu)

Gene: FLNA (filamin A; minus strand). Cytogenetic location: Xq28.
Variant type: single nucleotide variant.
Coding change: c.968C>T on transcript NM_001110556.2 (MANE Select); coding-DNA position 968, C replaced by T.
Protein change: p.Pro323Leu; replaces proline 323 with leucine.
Molecular consequence: missense variant.
Genome position (GRCh38, 1-based): chrX:154,366,751, G>A on the plus strand (C>T on the coding strand, the complement: FLNA is on the minus strand). VCF-style: chrX-154366751-G-A. GRCh37 (hg19) VCF-style: chrX-153595119-G-A.
Other names: c.968C>T, p.Pro323Leu (NM_001456.4); short protein forms P323L.
Identifiers: ClinVar variation 387722 (VCV000387722.57), dbSNP rs371830740, ClinGen allele CA10561322.

ClinVar aggregate classification (germline): Conflicting classifications of pathogenicity. Review status: criteria provided, conflicting classifications (1 of 4 stars). 7 submissions from 7 submitters: Uncertain significance (4); Benign (1); Likely benign (2). Last evaluated 2025-12-30.

Conditions:
Familial thoracic aortic aneurysm and aortic dissection (TAAD). Also called: Thoracic aortic aneurysms and dissections. Identifiers: Orphanet 91387, MedGen C4707243, MONDO:0019625.
Frontometaphyseal dysplasia (FMD1). Identifiers: Orphanet 1826, MedGen C0265293, MONDO:0015942.
Melnick-Needles syndrome (MNS). Also called: Melnick-Needles Syndrome (FLNA-MNS); OSTEODYSPLASTY OF MELNICK AND NEEDLES; MELNICK-NEEDLES OSTEODYSPLASTY. Identifiers: Orphanet 2484, MedGen C0025237, MONDO:0010650, OMIM 309350.
Oto-palato-digital syndrome, type II (OPD2). Also called: Otopalatodigital Syndrome Type 2 (FLNA-OPD2); Otopalatodigital Syndrome, Type II; OPD II SYNDROME; FACIOPALATOOSSEOUS SYNDROME. Identifiers: Orphanet 669, Orphanet 90652, MedGen C1844696, MONDO:0010571, OMIM 304120.
Heterotopia, periventricular, X-linked dominant (PVNH1). Also called: PERIVENTRICULAR NODULAR HETEROTOPIA 4; HETEROTOPIA, PERIVENTRICULAR, 1; PERIVENTRICULAR NODULAR HETEROTOPIA 1; X-linked periventricular heterotopia. Identifiers: Orphanet 2149, Orphanet 82004, MedGen C1848213, MONDO:0010233, OMIM 300049.
Ehlers-Danlos syndrome (EDS). Identifiers: Orphanet 98249, MedGen C0013720, MONDO:0020066.

Allele frequency attached by ClinVar (database versions not stated): ExAC 0.00001; gnomAD exomes 0.00003 and 0.00006; TOPMed 0.00003; gnomAD 0.00005; ESP Exome Variant Server 0.00010.

Submissions (7):

Labcorp Genetics (formerly Invitae), Labcorp
Classification: Benign for Oto-palato-digital syndrome, type II; Heterotopia, periventricular, X-linked dominant; Frontometaphyseal dysplasia; Melnick-Needles syndrome. Last evaluated: 2025-12-30. Review status: criteria provided, single submitter. Criteria: Invitae Variant Classification Sherloc (09022015). Collection method: clinical testing. Allele origin: germline.

Women's Health and Genetics/Laboratory Corporation of America, LabCorp
Classification: Likely benign. Last evaluated: 2025-03-07. Review status: criteria provided, single submitter. Criteria: LabCorp Variant Classification Summary - May 2015. Collection method: clinical testing. Allele origin: germline.
Comment: Variant summary: FLNA c.968C>T (p.Pro323Leu) results in a non-conservative amino acid change in the encoded protein sequence. Five of five in-silico tools predict a damaging effect of the variant on protein function. The variant allele was found at a frequency of 5.5e-05 in 1208525 control chromosomes. The observed variant frequency is approximately 177 fold of the estimated maximal expected allele frequency for a pathogenic variant in FLNA causing Periventricular Nodular Heterotopia phenotype (3.1e-07). To our knowledge, no occurrence of c.968C>T in individuals affected with Periventricular Nodular Heterotopia and no experimental evidence demonstrating its impact on protein function have been reported. ClinVar contains an entry for this variant (Variation ID: 387722). Based on the evidence outlined above, the variant was classified as likely benign.

Laboratory of Genetics, Children's Clinical University Hospital Latvia
Classification: Likely benign. Last evaluated: 2025-02-16. Review status: criteria provided, single submitter. Criteria: ACMG Guidelines, 2015. Collection method: clinical testing. Allele origin: germline. Affected: yes.

Ambry Genetics
Classification: Uncertain significance for Familial thoracic aortic aneurysm and aortic dissection. Last evaluated: 2025-01-14. Review status: criteria provided, single submitter. Criteria: Ambry Variant Classification Scheme 2023. Collection method: clinical testing. Allele origin: germline.
Comment: The p.P323L variant (also known as c.968C>T), located in coding exon 5 of the FLNA gene, results from a C to T substitution at nucleotide position 968. The proline at codon 323 is replaced by leucine, an amino acid with similar properties. Based on data from gnomAD, the T allele has an overall frequency of 0.003454% (7/202635) total alleles studied, with 2 hemizygotes observed. The highest observed frequency was 0.005467% (5/91458) of European (non-Finnish) alleles. This amino acid position is highly conserved in available vertebrate species. In addition, this alteration is predicted to be deleterious by in silico analysis. Since supporting evidence is limited at this time, the clinical significance of this alteration remains unclear.

GeneDx
Classification: Uncertain significance. Last evaluated: 2022-10-03. Review status: criteria provided, single submitter. Criteria: GeneDx Variant Classification Process June 2021. Collection method: clinical testing. Allele origin: germline. Affected: yes.
Comment: Has not been previously reported in peer-reviewed literature as pathogenic or benign to our knowledge; In silico analysis supports that this missense variant has a deleterious effect on protein structure/function

Cambridge Genomics Laboratory, East Genomic Laboratory Hub, NHS Genomic Medicine Service
Classification: Uncertain significance for Ehlers-Danlos syndrome. Last evaluated: 2019-10-16. Review status: criteria provided, single submitter. Criteria: ACGS Best Practice Guidelines for Variant Classification in Rare Disease 2020. Collection method: clinical testing. Allele origin: germline. Affected: yes. Observed: 1 variant allele.

CeGaT Center for Human Genetics Tuebingen
Classification: Uncertain significance. Last evaluated: 2018-10-01. Review status: criteria provided, single submitter. Criteria: CeGaT Center For Human Genetics Tuebingen Variant Classification Criteria Version 2. Collection method: clinical testing. Allele origin: germline. Affected: yes. Observed: 2 variant alleles.